The following is an entry in ClinVar:

NM_206933.4(USH2A):c.15372G>A (p.Leu5124=)

Gene: USH2A (usherin; minus strand). Cytogenetic location: 1q41.
Variant type: single nucleotide variant.
Coding change: c.15372G>A on transcript NM_206933.4 (MANE Select); coding-DNA position 15372, G replaced by A.
Protein change: p.Leu5124=; no amino-acid change (leucine 5124 retained).
Molecular consequence: synonymous variant.
Genome position (GRCh38, 1-based): chr1:215,628,961, C>T on the plus strand (G>A on the coding strand, the complement: USH2A is on the minus strand). VCF-style: chr1-215628961-C-T. GRCh37 (hg19) VCF-style: chr1-215802303-C-T.
Identifiers: ClinVar variation 4875373 (VCV004875373.2).
Genomic context (GRCh38, chr1:215,628,961, plus strand): 5'-GCTGCGGTGAAGAGAACCCTGGGAGTAGGTTAGGCTGGTTTGGTTTTGACTCGGGATGCG[C>T]AGGACACATGCACTCCGGTTGCTGCGGATACTCACAGGTGTCCCAGACCGGGGAATTTTG-3'
Protein context (NP_996816.3, residues 5114-5134): SIRSNRSACV[Leu5124=]RIPSQNQTSL

ClinVar aggregate classification (germline): Likely benign (1 of 4 stars; one submission).

Submission:

CeGaT Center for Human Genetics Tuebingen
Classification: Likely benign. Last evaluated: 2026-06-01. Review status: criteria provided, single submitter. Criteria: CeGaT Center For Human Genetics Tuebingen Variant Classification Criteria Version 2. Collection method: clinical testing. Allele origin: germline. Affected: yes. Observed: 1 variant allele.
Comment: USH2A: PM2:Supporting, BP4, BP7